The following is an entry in ClinVar:

ClinVar aggregate classification (germline): Uncertain significance. Review status: criteria provided, single submitter (1 of 4 stars). 2 submissions from 2 submitters: Uncertain significance (1). 1 of the submissions does not count toward it. Last evaluated 2023-07-17.

Conditions:
Hereditary cancer-predisposing syndrome. Also called: Neoplastic Syndromes, Hereditary; Tumor predisposition; Hereditary Cancer Syndrome; Hereditary neoplastic syndrome. Identifiers: Orphanet 140162, MedGen C0027672, MeSH D009386, MONDO:0015356.

Allele frequency attached by ClinVar (database versions not stated): gnomAD exomes below 0.00001; ExAC 0.00001.
gnomAD v4.1: 1 of 1,601,758 alleles (0.000062%); highest among the groups gnomAD compares: Non-Finnish European, 0.000085%; no homozygotes.

Submissions (2):

Ambry Genetics
Classification: Uncertain significance for Hereditary cancer-predisposing syndrome. Last evaluated: 2023-07-17. Review status: criteria provided, single submitter. Criteria: Ambry Variant Classification Scheme 2023. Collection method: clinical testing. Allele origin: germline.
Comment: The p.R62G variant (also known as c.184A>G), located in coding exon 1 of the CDKN2A (p14ARF) gene, results from an A to G substitution at nucleotide position 184. The arginine at codon 62 is replaced by glycine, an amino acid with dissimilar properties. This amino acid position is not well conserved in available vertebrate species. In addition, this alteration is predicted to be tolerated by in silico analysis. Since supporting evidence is limited at this time, the clinical significance of this alteration remains unclear.

Biesecker Lab/Clinical Genomics Section, National Institutes of Health
Classification: Uncertain significance. Last evaluated: 2012-07-13. Review status: no assertion criteria provided. Collection method: research. Allele origin: germline. Affected: no. Observed: 1 variant allele. Study: ClinSeq. Not counted in ClinVar's aggregate classification.
ClinVar note: Converted during submission from variant of unknown significance to Uncertain significance.

NM_058195.4(CDKN2A):c.184A>G (p.Arg62Gly)

Gene: CDKN2A (cyclin dependent kinase inhibitor 2A; minus strand). Cytogenetic location: 9p21.3.
Variant type: single nucleotide variant.
Coding change: c.184A>G on transcript NM_058195.4 (MANE Plus Clinical); coding-DNA position 184, A replaced by G.
Protein change: p.Arg62Gly; replaces arginine 62 with glycine.
Molecular consequence: missense variant. On other transcripts: intron variant (1).
Genome position (GRCh38, 1-based): chr9:21,994,148, T>C on the plus strand (A>G on the coding strand, the complement: CDKN2A is on the minus strand). VCF-style: chr9-21994148-T-C. GRCh37 (hg19) VCF-style: chr9-21994147-T-C.
Other names: c.-4+673A>G (NM_001363763.2); short protein forms R62G.
Identifiers: ClinVar variation 41849 (VCV000041849.6), dbSNP rs386833400, ClinGen allele CA215917.